The following is an entry in ClinVar:

NM_001114753.3(ENG):c.392C>T (p.Pro131Leu)

Gene: ENG (endoglin; minus strand). Cytogenetic location: 9q34.11.
Variant type: single nucleotide variant.
Coding change: c.392C>T on transcript NM_001114753.3 (MANE Select); coding-DNA position 392, C replaced by T.
Protein change: p.Pro131Leu; replaces proline 131 with leucine.
Molecular consequence: missense variant. On other transcripts: 5 prime UTR variant (1).
Genome position (GRCh38, 1-based): chr9:127,826,641, G>A on the plus strand (C>T on the coding strand, the complement: ENG is on the minus strand). VCF-style: chr9-127826641-G-A. GRCh37 (hg19) VCF-style: chr9-130588920-G-A.
Other names: NM_001114753.3(ENG):c.392C>T; p.Pro131Leu; c.392C>T, p.Pro131Leu (NM_000118.4, NM_001406715.1); c.-155C>T (NM_001278138.2); short protein forms P131L.
Identifiers: ClinVar variation 161232 (VCV000161232.68), dbSNP rs139398993, ClinGen allele CA202695.

ClinVar aggregate classification (germline): Benign. Review status: reviewed by expert panel (3 of 4 stars). 12 submissions from 12 submitters: Benign (1). 11 of the submissions do not count toward it. Last evaluated 2024-03-15.

Conditions:
Cardiovascular phenotype. Identifiers: MedGen CN230736.
Hereditary hemorrhagic telangiectasia (HHT). Also called: Osler hemorrhagic telangiectasia syndrome; ORW DISEASE; Osler Weber Rendu syndrome; OSLER-RENDU-WEBER DISEASE. Identifiers: Orphanet 774, MedGen C0039445, MONDO:0019180. Disease mechanism: loss of function.
Haemorrhagic telangiectasia 1.
Galloway-Mowat syndrome 1 (GAMOS1). Identifiers: Orphanet 2065, Orphanet 83472, MedGen C4551772, MONDO:0033005, OMIM 251300.
Telangiectasia, hereditary hemorrhagic, type 1 (HHT1). Also called: Osler Weber Rendu syndrome type 1; ENG-Related Hereditary Hemorrhagic Telangiectasia. Identifiers: Orphanet 774, MedGen C4551861, MONDO:0008535, OMIM 187300. Disease mechanism: loss of function.

Allele frequency attached by ClinVar (database versions not stated): gnomAD 0.00077; TOPMed 0.00104; ESP Exome Variant Server 0.00154; 1000 Genomes Project 30x 0.00921; 1000 Genomes Project 0.00978.
gnomAD v4.1: 4,305 of 1,613,834 alleles (0.27%); highest among the groups gnomAD compares: South Asian, 2.5%; 49 homozygotes.

Submissions (12):

ClinGen Hereditary Hemorrhagic Telangiectasia Variant Curation Expert Panel, ClinGen
Classification: Benign for Telangiectasia, hereditary hemorrhagic, type 1. Last evaluated: 2024-03-15. Review status: reviewed by expert panel. Criteria: ClinGen HHT ACMG Specifications ENG V1.1.0. Collection method: curation. Allele origin: germline. Inheritance: Autosomal dominant inheritance.
Comment: The NM_001114753.3: c.392C>T variant in ENG is a missense variant predicted to cause substitution of proline by leucine at amino acid 131 (p.Pro131Leu). The filtering allele frequency (the lower threshold of the 95% CI of 762/30612) of the c.392C>T variant in ENG is 0.02343 for South Asian chromosomes by gnomAD v2.1.1, which is higher than the ClinGen Hereditary Hemorrhagic Telangiectasia Variant Curation Expert Panel threshold (>0.01) for BA1, and therefore meets this criterion (BA1). The computational predictor REVEL gives a score of 0.315, which is neither above nor below the thresholds predicting a damaging or benign impact on ENG function. In summary, this variant meets the criteria to be classified as benign for autosomal dominant hereditary hemorrhagic telangiectasia based on the ACMG/AMP criteria applied, as specified by the ClinGen Hereditary Hemorrhagic Telangiectasia Variant Curation Expert Panel: BA1 (specification version 1.0.0; 1/4/2024).

CeGaT Center for Human Genetics Tuebingen
Classification: Benign. Last evaluated: 2026-07-01. Review status: criteria provided, single submitter. Criteria: CeGaT Center For Human Genetics Tuebingen Variant Classification Criteria Version 2. Collection method: clinical testing. Allele origin: germline. Affected: yes. Observed: 47 variant alleles. Not counted in ClinVar's aggregate classification.
Comment: ENG: BP4, BS1, BS2

Labcorp Genetics (formerly Invitae), Labcorp
Classification: Benign for Hereditary hemorrhagic telangiectasia. Last evaluated: 2026-02-03. Review status: criteria provided, single submitter. Criteria: Invitae Variant Classification Sherloc (09022015). Collection method: clinical testing. Allele origin: germline. Not counted in ClinVar's aggregate classification.

ARUP Laboratories, Molecular Genetics and Genomics, ARUP Laboratories
Classification: Benign for Telangiectasia, hereditary hemorrhagic, type 1. Last evaluated: 2025-03-26. Review status: criteria provided, single submitter. Criteria: ARUP Molecular Germline Variant Investigation Process 2024. Collection method: clinical testing. Allele origin: germline. Not counted in ClinVar's aggregate classification.

Blueprint Genetics
Classification: Likely benign. Last evaluated: 2024-11-18. Review status: criteria provided, single submitter. Criteria: ACMG Guidelines, 2015. Collection method: clinical testing. Allele origin: germline. Not counted in ClinVar's aggregate classification.

GeneDx
Classification: Likely benign. Last evaluated: 2018-08-03. Review status: criteria provided, single submitter. Criteria: GeneDx Variant Classification Process June 2021. Collection method: clinical testing. Allele origin: germline. Affected: yes. Not counted in ClinVar's aggregate classification.
Comment: This variant is associated with the following publications: (PMID: 32560555, 28655553, 27535533, 27146957, 12673790, 15879500, 25637381, 23399955, 21158752, 24055113)

Illumina Laboratory Services, Illumina
Classification: Benign for Telangiectasia, hereditary hemorrhagic, type 1. Last evaluated: 2018-03-06. Review status: criteria provided, single submitter. Criteria: ICSL Variant Classification Criteria 13 December 2019. Collection method: clinical testing. Allele origin: germline. Not counted in ClinVar's aggregate classification.
Comment: This variant was observed in the ICSL laboratory as part of a predisposition screen in an ostensibly healthy population. It had not been previously curated by ICSL or reported in the Human Gene Mutation Database (HGMD: prior to June 1st, 2018), and was therefore a candidate for classification through an automated scoring system. Utilizing variant allele frequency, disease prevalence and penetrance estimates, and inheritance mode, an automated score was calculated to assess if this variant is too frequent to cause the disease. Based on the score and internal cut-off values, a variant classified as benign is not then subjected to further curation. The score for this variant resulted in a classification of benign for this disease.

Genetic Services Laboratory, University of Chicago
Classification: Likely benign. Last evaluated: 2016-08-18. Review status: criteria provided, single submitter. Criteria: ACMG Guidelines, 2015. Collection method: clinical testing. Allele origin: germline. Affected: no. Not counted in ClinVar's aggregate classification.

Ambry Genetics
Classification: Benign for Cardiovascular phenotype. Last evaluated: 2015-09-04. Review status: criteria provided, single submitter. Criteria: Ambry Variant Classification Scheme 2023. Collection method: clinical testing. Allele origin: germline. Not counted in ClinVar's aggregate classification.

Eurofins Ntd Llc (ga)
Classification: Benign. Last evaluated: 2015-02-06. Review status: criteria provided, single submitter. Criteria: EGL Classification Definitions 2015. Collection method: clinical testing. Allele origin: germline. Observed: 3 variant alleles, 3 heterozygotes. Not counted in ClinVar's aggregate classification.

CSER _CC_NCGL, University of Washington
Classification: Uncertain significance for Haemorrhagic telangiectasia 1. Last evaluated: 2014-06-01. Review status: criteria provided, single submitter. Criteria: Amendola et al. (Genome Res. 2015). Collection method: research. Allele origin: germline. Inheritance: Autosomal dominant inheritance. Study: ESP 6500 variant annotation. Not counted in ClinVar's aggregate classification.
Comment: Low GERP score may suggest that this variant may belong in a lower pathogenicity class

Variants classified for the Actionable exomic incidental findings in 6503 participants: challenges of variant classification manuscript

Broad Center for Mendelian Genomics, Broad Institute of MIT and Harvard
Classification: Benign for Galloway-Mowat syndrome 1. Review status: criteria provided, single submitter. Criteria: ACMG Guidelines, 2015. Collection method: research. Allele origin: germline. Inheritance: Autosomal dominant inheritance. Affected: yes. Not counted in ClinVar's aggregate classification.
Comment: The heterozygous p.Pro131Leu variant in ENG has been identified in multiple individuals with haemorrhagic telangiectasia and individuals without haemorrhagic telangiectasia (PMID: 15879500, 21158752), and has been identified in >2% of South Asian chromosomes and 7 homozygotes by ExAC. In summary, this variant meets criteria to be classified as benign for autosomal dominant haemorrhagic telangiectasia.

Literature cited by the submitters: PubMed 15879500 (cited by Eurofins Ntd Llc (ga) and Broad Center for Mendelian Genomics, Broad Institute of MIT and Harvard); PubMed 21158752 (cited by Eurofins Ntd Llc (ga) and Broad Center for Mendelian Genomics, Broad Institute of MIT and Harvard); PubMed 12673790 (cited by Broad Center for Mendelian Genomics, Broad Institute of MIT and Harvard); PubMed 24055113 (cited by Broad Center for Mendelian Genomics, Broad Institute of MIT and Harvard); PubMed 23399955 (cited by Broad Center for Mendelian Genomics, Broad Institute of MIT and Harvard).